The following is an entry in ClinVar:

NM_001267550.2(TTN):c.107628del (p.Asn35876fs)

Genes: TTN-AS1 (TTN antisense RNA 1; plus strand), TTN (titin; minus strand). Cytogenetic location: 2q31.2.
Variant type: Deletion.
Coding change: c.107628del on transcript NM_001267550.2 (MANE Select); coding-DNA position 107628, one base deleted (T; older notation c.107628delT).
Protein change: p.Asn35876fs; shifts the reading frame from asparagine 35876.
Molecular consequence: frameshift variant.
Genome position (GRCh38, 1-based): chr2:178,527,498, A deleted on the plus strand (T on the coding strand, the reverse complement: TTN is on the minus strand). VCF-style (leftmost placement, unchanged base first): chr2-178527497-TA-T. GRCh37 (hg19) VCF-style: chr2-179392224-TA-T.
Other names: c.107628delT (NM_001267550.2); c.80433delT (NM_003319.4); c.102705del, p.Asn34235fs (NM_001256850.1); c.80433del, p.Asn26811fs (NM_003319.4); c.99924del, p.Asn33308fs (NM_133378.4); c.80808del, p.Asn26936fs (NM_133432.3); c.81009del, p.Asn27003fs (NM_133437.4); short protein forms N26811fs, N33308fs, N26936fs, N34235fs, N35876fs, N27003fs.
Identifiers: ClinVar variation 290361 (VCV000290361.19), dbSNP rs766624923, ClinGen allele CA1984918.
Genomic context (GRCh38, chr2:178,527,497, plus strand): 5'-ATTGCTCACCTCTTATGCCTGCTTTAAGCATTTTACTAGTTGAGCTTTCCAGTTGTGTCA[TA>T]TTAGATATTCCCATAAAGCTGCTGGAACTCATTTCTACAAAGGACTCTTGCATGGAGGAC-3'

ClinVar aggregate classification (germline): Conflicting classifications of pathogenicity. Review status: criteria provided, conflicting classifications (1 of 4 stars). 4 submissions from 4 submitters: Likely pathogenic (3); Uncertain significance (1). Last evaluated 2025-07-30.

Conditions:
TTN-related disorder. Also called: TTN-related condition; TTN-related disease; TTN-related disorders.
Cardiovascular phenotype. Identifiers: MedGen CN230736.
Autosomal recessive limb-girdle muscular dystrophy type 2J (LGMDR10). Also called: Limb-girdle muscular dystrophy, type 2J; MUSCULAR DYSTROPHY, LIMB-GIRDLE, AUTOSOMAL RECESSIVE 10. Identifiers: Orphanet 140922, MedGen C1837342, MONDO:0012127, OMIM 608807.
Dilated cardiomyopathy 1G (CMD1G). Identifiers: Orphanet 154, MedGen C1858763, MONDO:0011400, OMIM 604145.

Allele frequency attached by ClinVar (database versions not stated): gnomAD exomes below 0.00001; ExAC 0.00001; gnomAD 0.00002; TOPMed 0.00002.

Submissions (4):

Ambry Genetics
Classification: Likely pathogenic for Cardiovascular phenotype. Last evaluated: 2025-07-30. Review status: criteria provided, single submitter. Criteria: Ambry Variant Classification Scheme 2023. Collection method: clinical testing. Allele origin: germline.
Comment: The c.80433delT variant, located in coding exon 189 of the TTN gene, results from a deletion of one nucleotide at nucleotide position 80433, causing a translational frameshift with a predicted alternate stop codon (p.N26811Kfs*2). This exon is located in the M-band region of the N2-B isoform of the titin protein and is constitutively expressed in TTN transcripts (percent spliced in or PSI 99%). This alteration occurs at the 3' terminus of theTTN gene, is not expected to trigger nonsense-mediated mRNA decay, and impacts the last <1% of the protein. However, premature stop codons are typically deleterious in nature, and the impacted region is critical for protein function (Ambry internal data). While truncating variants in TTN are present in 1-3% of the general population, truncating variants in the M-band have been reported in association with autosomal recessive titinopathies, primarily presenting with skeletal myopathy phenotypes (Ceyhan-Birsoy O et al. Neurology. 2013 Oct 1;81(14):1205-14; De Cid R et al. Neurology. 2015;85(24):2126-35). Truncating variants in coding exon 185 of the M-band of the N2-B isoform have also been specifically associated with autosomal dominant dilated cardiomyopathy (Vatta M et al. Circ GenomPrecis Med. 2025 Feb:e004982). More generally, TTN truncating variants encoded in constitutive exons (PSI >90%) have been found to be significantly associated with dilated cardiomyopathy (DCM) regardless of their position, although truncating variants in the A-band are the most common cause of DCM (Herman DS et al. N. Engl. J. Med., 2012 Feb;366:619-28; Roberts AM et al. Sci Transl Med, 2015 Jan;7:270ra6; Schafer S et al. Nat. Genet., 2017 01;49:46-53; Akhtar MM et al. Circ Heart Fail, 2020 Oct;13:e006832; Massier M et al. Clin Genet, 2025 Jan). Based on the majority of available evidence to date, this variant is likely to be pathogenic in association with autosomal recessive titinopathy; however, the clinical significance of this alteration with respect to cardiomyopathy remains unclear.

Labcorp Genetics (formerly Invitae), Labcorp
Classification: Likely pathogenic for Dilated cardiomyopathy 1G; Autosomal recessive limb-girdle muscular dystrophy type 2J. Last evaluated: 2024-08-01. Review status: criteria provided, single submitter. Criteria: Invitae Variant Classification Sherloc (09022015). Collection method: clinical testing. Allele origin: germline.
Comment: This sequence change creates a premature translational stop signal (p.Asn35876Lysfs*2) in the TTN gene. While this is not anticipated to result in nonsense mediated decay, it is expected to create a truncated TTN protein. This variant is present in population databases (rs766624923, gnomAD 0.01%). This variant has not been observed in the literature in individuals with autosomal recessive TTN-related conditions. This variant has been reported in individual(s) with dilated cardiomyopathy (Invitae); however, the role of the variant in this condition is currently unclear. ClinVar contains an entry for this variant (Variation ID: 290361). Algorithms developed to predict the effect of sequence changes on RNA splicing suggest that this variant may disrupt the consensus splice site. This variant is located in the M band of TTN (PMID: 25589632). Truncating variants in this region have been previously reported in individuals affected with autosomal recessive myopathy and muscular dystrophy (PMID: 18948003, 23975875, 24395473). Truncating variants in this region have also been identified in individuals affected with autosomal dominant dilated cardiomyopathy and/or cardio-related conditions (PMID: 27869827, 32964742, Invitae internal data). In summary, the currently available evidence indicates that the variant is pathogenic, but additional data are needed to prove that conclusively. Therefore, this variant has been classified as Likely Pathogenic.

PreventionGenetics, part of Exact Sciences
Classification: Likely pathogenic for TTN-related condition. Last evaluated: 2023-04-21. Review status: criteria provided, single submitter. Criteria: ACMG Guidelines, 2015. Collection method: clinical testing. Allele origin: germline.
Comment: The TTN c.107628delT variant is predicted to result in a frameshift and premature protein termination (p.Asn35876Lysfs*2). To our knowledge, this variant has not been reported in the literature. This variant is reported in 0.012% of alleles in individuals of African descent in gnomAD. This variant occurs in exon 362 which is located in the M-band region of the TTN protein. Exons 359-364 (Mex1-Mex6) have historically been found to harbor a significant number of pathogenic variants for TTN-related autosomal dominant and recessive muscle disorders (Hackman et al. 2002. PMID: 12145747; Evilä et al. 2014. PMID: 24395473; Hackman et al. 2008. PubMed ID: 18948003; Ceyhan-Birsoy et al. 2013. PubMed ID: 23975875). RNA sequencing studies from heart tissue indicate that this exon is commonly expressed in TTN mRNA transcripts (PSI of 99%, Roberts et al. 2015. PMID: 25589632). TTN truncating variants are reported in 1-2% of presumably healthy individuals but occur more frequently in exons with low PSI values (Roberts et al. 2015. PMID: 25589632; Herman. et al. 2012. PMID: 22335739). In summary, this truncating variant in TTN is classified as likely pathogenic. Of note, TTN truncating variants show incomplete and age-dependent penetrance in regard to autosomal dominant dilated cardiomyopathy. ACMG has recommended the reporting of TTN truncating variants in highly expressed exons due to the significant risk of cardiomyopathy (see ACMG statement in Miller et al. 2021. PubMed ID: 34012068; Miller et al. 2022. PubMed ID: 35802134).

Eurofins Ntd Llc (ga)
Classification: Uncertain significance. Last evaluated: 2016-09-01. Review status: criteria provided, single submitter. Criteria: EGL Classification Definitions 2015. Collection method: clinical testing. Allele origin: germline. Observed: 1 variant allele.

Literature cited by the submitters: PubMed 25589632 (cited by Labcorp Genetics (formerly Invitae), Labcorp); PubMed 18948003 (cited by Labcorp Genetics (formerly Invitae), Labcorp); PubMed 23975875 (cited by Labcorp Genetics (formerly Invitae), Labcorp); PubMed 24395473 (cited by Labcorp Genetics (formerly Invitae), Labcorp); PubMed 27869827 (cited by Labcorp Genetics (formerly Invitae), Labcorp); PubMed 32964742 (cited by Labcorp Genetics (formerly Invitae), Labcorp).